The following is an entry in ClinVar:

NM_000540.3(RYR1):c.9283T>C (p.Phe3095Leu)

Gene: RYR1 (ryanodine receptor 1; plus strand). Cytogenetic location: 19q13.2.
Variant type: single nucleotide variant.
Coding change: c.9283T>C on transcript NM_000540.3 (MANE Select); coding-DNA position 9283, T replaced by C.
Protein change: p.Phe3095Leu; replaces phenylalanine 3095 with leucine.
Molecular consequence: missense variant.
Genome position (GRCh38, 1-based): chr19:38,512,294, T>C. VCF-style: chr19-38512294-T-C. GRCh37 (hg19) VCF-style: chr19-39002934-T-C.
Other names: c.9283T>C, p.Phe3095Leu (NM_001042723.2); short protein forms F3095L.
Identifiers: ClinVar variation 2072797 (VCV002072797.8), dbSNP rs1440501918, ClinGen allele CA405686360.

ClinVar aggregate classification (germline): Uncertain significance. Review status: criteria provided, multiple submitters, no conflicts (2 of 4 stars). 3 submissions from 3 submitters: Uncertain significance (3). Last evaluated 2025-01-12.

Conditions:
RYR1-related disorder. Also called: RYR1-related condition; RYR1-related disorders. Identifiers: MedGen CN239331.
Malignant hyperthermia, susceptibility to, 1 (MHS1). Also called: RYR1-Related Malignant Hyperthermia Susceptibility; Malignant hyperthermia suceptibility 1; Anesthesia related hyperthermia; Malignant hyperpyrexia; Fulminating hyperpyrexia; Pharmacogenic myopathy. Identifiers: Orphanet 423, MedGen C2930980, MONDO:0007783, OMIM 145600.

Allele frequency attached by ClinVar (database versions not stated): gnomAD exomes 0.00001; TOPMed 0.00001.
gnomAD v4.1: 6 of 1,614,216 alleles (0.00037%); highest among the groups gnomAD compares: Admixed American, 0.0083%; no homozygotes.

Submissions (3):

Labcorp Genetics (formerly Invitae), Labcorp
Classification: Uncertain significance for RYR1-related disorder. Last evaluated: 2025-01-12. Review status: criteria provided, single submitter. Criteria: Invitae Variant Classification Sherloc (09022015). Collection method: clinical testing. Allele origin: germline.
Comment: This sequence change replaces phenylalanine, which is neutral and non-polar, with leucine, which is neutral and non-polar, at codon 3095 of the RYR1 protein (p.Phe3095Leu). This variant is present in population databases (no rsID available, gnomAD 0.02%). This variant has not been reported in the literature in individuals affected with RYR1-related conditions. ClinVar contains an entry for this variant (Variation ID: 2072797). Invitae Evidence Modeling of protein sequence and biophysical properties (such as structural, functional, and spatial information, amino acid conservation, physicochemical variation, residue mobility, and thermodynamic stability) indicates that this missense variant is expected to disrupt RYR1 protein function with a positive predictive value of 80%. In summary, the available evidence is currently insufficient to determine the role of this variant in disease. Therefore, it has been classified as a Variant of Uncertain Significance.

All of Us Research Program, National Institutes of Health
Classification: Uncertain significance for Malignant hyperthermia, susceptibility to, 1. Last evaluated: 2024-05-09. Review status: criteria provided, single submitter. Criteria: ACMG Guidelines, 2015. Collection method: clinical testing. Allele origin: germline. Inheritance: Autosomal dominant inheritance. Observed: 5 variant alleles, 5 heterozygotes.
Comment: This study involves interpretation of variants in research participants for the purpose of population health screening. Participant phenotype was not available at the time of variant classification. Additional details can be found in publication PMID: 35346344, PMCID: PMC8962531

Revvity Omics, Revvity
Classification: Uncertain significance. Last evaluated: 2022-08-29. Review status: criteria provided, single submitter. Criteria: ACMG Guidelines, 2015. Collection method: clinical testing. Allele origin: germline.